The following is an entry in ClinVar:

NM_018180.3(DHX32):c.1418A>G (p.Asn473Ser)

Genes: BCCIP (BRCA2 and CDKN1A interacting protein; plus strand), DHX32 (DEAH-box helicase 32 (putative); minus strand). Cytogenetic location: 10q26.2.
Variant type: single nucleotide variant.
Coding change: c.1418A>G on transcript NM_018180.3 (MANE Select); coding-DNA position 1418, A replaced by G.
Protein change: p.Asn473Ser; replaces asparagine 473 with serine.
Molecular consequence: missense variant. On other transcripts: 3 prime UTR variant (1), intron variant (1).
Genome position (GRCh38, 1-based): chr10:125,841,868, T>C on the plus strand (A>G on the coding strand, the complement: DHX32 is on the minus strand). VCF-style: chr10-125841868-T-C. GRCh37 (hg19) VCF-style: chr10-127530437-T-C.
Other names: c.*509T>C (NM_078469.3); c.850+538T>C (NM_016567.4); short protein forms N473S.
Identifiers: ClinVar variation 4715265 (VCV004715265.1).

ClinVar aggregate classification (germline): Uncertain significance (1 of 4 stars; one submission).

gnomAD v4.1: 1 of 1,613,756 alleles (0.000062%); highest among the groups gnomAD compares: Non-Finnish European, 0.000085%; no homozygotes.

Submission:

Labcorp Genetics (formerly Invitae), Labcorp
Classification: Uncertain significance. Last evaluated: 2025-03-31. Review status: criteria provided, single submitter. Criteria: Invitae Variant Classification Sherloc (09022015). Collection method: clinical testing. Allele origin: germline.
Comment: This sequence change replaces asparagine, which is neutral and polar, with serine, which is neutral and polar, at codon 473 of the DHX32 protein (p.Asn473Ser). This variant is not present in population databases (gnomAD no frequency). This variant has not been reported in the literature in individuals affected with DHX32-related conditions. An algorithm developed to predict the effect of missense changes on protein structure and function (PolyPhen-2) suggests that this variant is likely to be disruptive. In summary, the available evidence is currently insufficient to determine the role of this variant in disease. Therefore, it has been classified as a Variant of Uncertain Significance.